The following is an entry in ClinVar:

NM_001324418.2(ADAM22):c.1393-7T>G

Gene: ADAM22 (ADAM metallopeptidase domain 22; plus strand). Cytogenetic location: 7q21.12.
Variant type: single nucleotide variant.
Coding change: c.1393-7T>G on transcript NM_001324418.2 (MANE Select); 7 bases into the intron before coding-DNA position 1393, T replaced by G.
Molecular consequence: intron variant.
Genome position (GRCh38, 1-based): chr7:88,145,408, T>G. VCF-style: chr7-88145408-T-G. GRCh37 (hg19) VCF-style: chr7-87774723-T-G.
Other names: c.1444-7T>G (NM_001391975.1, NM_001391980.1); c.1369-7T>G (NM_001391982.1); c.1393-7T>G (NM_001324420.2, NM_001391976.1, NM_021723.5 and 6 more transcripts); c.1390-7T>G (NM_001324419.2, NM_001391979.1, NM_001391978.1 and 2 more transcripts).
Identifiers: ClinVar variation 711003 (VCV000711003.6), dbSNP rs75477749, ClinGen allele CA4330514.

ClinVar aggregate classification (germline): Benign. Review status: criteria provided, single submitter (1 of 4 stars). 2 submissions from 2 submitters: Benign (1). 1 of the submissions does not count toward it. Last evaluated 2019-12-31.

Conditions:
ADAM22-related disorder. Also called: ADAM22-related condition.

Allele frequency attached by ClinVar (database versions not stated): gnomAD exomes 0.00050 and 0.00128; ExAC 0.00143; 1000 Genomes Project 0.00319; 1000 Genomes Project 30x 0.00390; ESP Exome Variant Server 0.00481; gnomAD 0.00523 and 0.00567; TOPMed 0.00561.
gnomAD v4.1: 1,550 of 1,608,630 alleles (0.096%); highest among the groups gnomAD compares: African/African-American, 1.8%; 15 homozygotes.

Submissions (2):

Labcorp Genetics (formerly Invitae), Labcorp
Classification: Benign. Last evaluated: 2019-12-31. Review status: criteria provided, single submitter. Criteria: Invitae Variant Classification Sherloc (09022015). Collection method: clinical testing. Allele origin: germline.

PreventionGenetics, part of Exact Sciences
Classification: Benign for ADAM22-related condition. Last evaluated: 2023-02-07. Review status: no assertion criteria provided. Collection method: clinical testing. Allele origin: germline. Not counted in ClinVar's aggregate classification.
Comment: This variant is classified as benign based on ACMG/AMP sequence variant interpretation guidelines (Richards et al. 2015 PMID: 25741868, with internal and published modifications).